The following is an entry in ClinVar:

NM_001257293.2(HNRNPH1):c.1332dup (p.Gln445fs)

Genes: HNRNPH1 (heterogeneous nuclear ribonucleoprotein H1; minus strand), LOC128966623 (uncharacterized LOC128966623; plus strand). Cytogenetic location: 5q35.3.
Variant type: Duplication.
Coding change: c.1332dup on transcript NM_001257293.2 (MANE Select); coding-DNA position 1332, one base duplicated (T; older notation c.1332dupT).
Protein change: p.Gln445fs; shifts the reading frame from glutamine 445.
Molecular consequence: frameshift variant. On other transcripts: intron variant (16).
Genome position (GRCh38, 1-based): chr5:179,615,564, A duplicated on the plus strand (T on the coding strand, the reverse complement: HNRNPH1 is on the minus strand); the first of 4 consecutive A bases (chr5:179,615,564-179,615,567); duplicating any one gives the same sequence. VCF-style (leftmost placement, unchanged base first): chr5-179615563-G-GA. GRCh37 (hg19) VCF-style: chr5-179042564-G-GA.
Other names: c.1272dup, p.Gln425fs (NM_001363572.2, NM_001364245.2, NM_001364246.2 and 2 more transcripts); c.1341dup, p.Gln448fs (NM_001364231.2, NM_001395176.1); c.1332dup, p.Gln445fs (NM_001364233.2, NM_001364234.2, NM_001364235.2 and 6 more transcripts); c.1311dup, p.Gln438fs (NM_001364241.2, NM_001364242.2, NM_001364243.2 and 1 more transcripts); c.1302dup, p.Gln435fs (NM_001364244.2, NM_001395187.1, NM_001395188.1); c.1251dup, p.Gln418fs (NM_001364248.2); c.1176dup, p.Gln393fs (NM_001364250.2); c.729dup, p.Gln244fs (NM_001364254.2, NM_001364255.2, NM_001395194.1); and 14 more; short protein forms Q234fs, Q244fs, Q308fs, Q319fs, Q339fs, Q368fs, Q393fs, Q418fs.
Identifiers: ClinVar variation 3900912 (VCV003900912.1).

ClinVar aggregate classification (germline): Uncertain significance (1 of 4 stars; one submission).

Submission:

GeneDx
Classification: Uncertain significance. Last evaluated: 2024-11-26. Review status: criteria provided, single submitter. Criteria: GeneDx Variant Classification Process June 2021. Collection method: clinical testing. Allele origin: germline. Affected: yes.
Comment: Not observed at significant frequency in large population cohorts (gnomAD); Frameshift variant predicted to result in abnormal protein length as the last five amino acids are replaced with 45 different amino acids; Has not been previously published as pathogenic or benign to our knowledge